The following is an entry in ClinVar:

ClinVar aggregate classification (germline): Conflicting classifications of pathogenicity. Review status: criteria provided, conflicting classifications (1 of 4 stars). 6 submissions from 6 submitters: Uncertain significance (1); Likely benign (4). 1 of the submissions does not count toward it. Last evaluated 2025-08-07.

Conditions:
VHL-related disorder. Also called: VHL-related condition.
Hereditary cancer-predisposing syndrome. Also called: Neoplastic Syndromes, Hereditary; Hereditary neoplastic syndrome; Hereditary Cancer Syndrome; Tumor predisposition. Identifiers: Orphanet 140162, MedGen C0027672, MeSH D009386, MONDO:0015356.
Von Hippel-Lindau syndrome (VHLS). Also called: Von Hippel-Lindau; von Hippel–Lindau syndrome; VHL syndrome. Identifiers: Orphanet 892, MedGen C0019562, MONDO:0008667, OMIM 193300. Disease mechanism: loss of function.
Chuvash polycythemia. Also called: POLYCYTHEMIA, VHL-DEPENDENT. Identifiers: Orphanet 238557, MedGen C1837915, MONDO:0009892, OMIM 263400.

Allele frequency attached by ClinVar (database versions not stated): gnomAD 0.00013 and 0.00014; TOPMed 0.00014; gnomAD exomes 0.00023.
gnomAD v4.1: 327 of 1,525,460 alleles (0.021%); highest among the groups gnomAD compares: Non-Finnish European, 0.028%; no homozygotes.

Submissions (6):

Labcorp Genetics (formerly Invitae), Labcorp
Classification: Likely benign for Von Hippel-Lindau syndrome; Chuvash polycythemia. Last evaluated: 2025-08-07. Review status: criteria provided, single submitter. Criteria: Invitae Variant Classification Sherloc (09022015). Collection method: clinical testing. Allele origin: germline.

Color Diagnostics, LLC DBA Color Health
Classification: Likely benign for Von Hippel-Lindau syndrome. Last evaluated: 2022-12-07. Review status: criteria provided, single submitter. Criteria: ACMG Guidelines, 2015. Collection method: clinical testing. Allele origin: germline.

Sema4
Classification: Likely benign for Hereditary cancer-predisposing syndrome. Last evaluated: 2021-01-12. Review status: criteria provided, single submitter. Criteria: Sema4 Curation Guidelines. Collection method: curation. Allele origin: germline.

GeneDx
Classification: Likely benign. Last evaluated: 2019-08-08. Review status: criteria provided, single submitter. Criteria: GeneDx Variant Classification Process June 2021. Collection method: clinical testing. Allele origin: germline. Affected: yes.
Comment: This variant is associated with the following publications: (PMID: 29790589)

Illumina Laboratory Services, Illumina
Classification: Uncertain significance for Von Hippel-Lindau syndrome. Last evaluated: 2018-01-13. Review status: criteria provided, single submitter. Criteria: ICSL Variant Classification Criteria 13 December 2019. Collection method: clinical testing. Allele origin: germline.

PreventionGenetics, part of Exact Sciences
Classification: Likely benign for VHL-related condition. Last evaluated: 2023-05-30. Review status: no assertion criteria provided. Collection method: clinical testing. Allele origin: germline. Not counted in ClinVar's aggregate classification.
Comment: This variant is classified as likely benign based on ACMG/AMP sequence variant interpretation guidelines (Richards et al. 2015 PMID: 25741868, with internal and published modifications).

NM_000551.4(VHL):c.-64C>T

Gene: VHL (von Hippel-Lindau tumor suppressor; plus strand). Cytogenetic location: 3p25.3.
Variant type: single nucleotide variant.
Coding change: c.-64C>T on transcript NM_000551.4 (MANE Select); 64 bases upstream of the start codon, C replaced by T.
Molecular consequence: 5 prime UTR variant.
Genome position (GRCh38, 1-based): chr3:10,141,784, C>T. VCF-style: chr3-10141784-C-T. GRCh37 (hg19) VCF-style: chr3-10183468-C-T.
Other names: c.-64C>T (NM_001354723.2, NM_198156.3).
Identifiers: ClinVar variation 342400 (VCV000342400.24), dbSNP rs772944298, ClinGen allele CA10614384.